The following is an entry in ClinVar:

NM_033310.3(KCNK4):c.728T>G (p.Leu243Arg)

Genes: KCNK4 (potassium two pore domain channel subfamily K member 4; plus strand), KCNK4-CATSPERZ (KCNK4-CATSPERZ readthrough (NMD candidate); plus strand). Cytogenetic location: 11q13.1.
Variant type: single nucleotide variant.
Coding change: c.728T>G on transcript NM_033310.3 (MANE Select); coding-DNA position 728, T replaced by G.
Protein change: p.Leu243Arg; replaces leucine 243 with arginine.
Molecular consequence: missense variant. On other transcripts: non-coding transcript variant (3).
Genome position (GRCh38, 1-based): chr11:64,298,176, T>G. VCF-style: chr11-64298176-T-G. GRCh37 (hg19) VCF-style: chr11-64065648-T-G.
Other names: c.728T>G, p.Leu243Arg (NM_001317090.2); short protein forms L243R.
Identifiers: ClinVar variation 3903130 (VCV003903130.1).
Genomic context (GRCh38, chr11:64,298,176, plus strand): 5'-ACCCCAGGCAGGACTCCCCGGCCTATCAGCCGCTGGTGTGGTTCTGGATCCTGCTCGGCC[T>G]GGCTTACTTCGCCTCAGTGCTCACCACCATCGGGAACTGGCTGCGAGTAGTGTCCCGCCG-3'
Protein context (NP_201567.1, residues 233-253): PLVWFWILLG[Leu243Arg]AYFASVLTTI

ClinVar aggregate classification (germline): Uncertain significance (1 of 4 stars; one submission).

Submission:

GeneDx
Classification: Uncertain significance. Last evaluated: 2024-12-14. Review status: criteria provided, single submitter. Criteria: GeneDx Variant Classification Process June 2021. Collection method: clinical testing. Allele origin: germline. Affected: yes.
Comment: Not observed at significant frequency in large population cohorts (gnomAD); In silico analysis supports that this missense variant has a deleterious effect on protein structure/function; Has not been previously published as pathogenic or benign to our knowledge